The following is an entry in ClinVar:

ClinVar aggregate classification (germline): Pathogenic (1 of 4 stars; one submission).

Conditions:
Inborn genetic diseases. Identifiers: MedGen C0950123, MeSH D030342.

Submission:

Ambry Genetics
Classification: Pathogenic for Inborn genetic diseases. Last evaluated: 2025-12-11. Review status: criteria provided, single submitter. Criteria: Ambry Variant Classification Scheme 2023. Collection method: clinical testing. Allele origin: germline.
Comment: The c.6973_6974delCT (p.L2325Cfs*33) alteration, located in exon 11 (coding exon 11) of the SPEN gene, consists of a deletion of 2 nucleotides from position 6973 to 6974, causing a translational frameshift with a predicted alternate stop codon after 33 amino acids. This alteration is expected to result in loss of function by premature protein truncation or nonsense-mediated mRNA decay. This variant was not reported in population-based cohorts in the Genome Aggregation Database (gnomAD). Other variant(s) resulting in the same predicted alternate stop codon (c.6974_6975delTT) have been identified in individual(s) with features consistent with SPEN-related neurodevelopmental disorder (Radio, 2021; Ambry internal data). Based on the available evidence, this alteration is classified as pathogenic.

Literature cited by the submitters: PubMed 33596411.

NM_015001.3(SPEN):c.6973_6974del (p.Leu2325fs)

Gene: SPEN (spen family transcriptional repressor; plus strand). Cytogenetic location: 1p36.13.
Variant type: Microsatellite.
Coding change: c.6973_6974del on transcript NM_015001.3 (MANE Select); coding-DNA positions 6973 to 6974, 2 bases deleted (CT; older notation c.6973_6974delCT).
Protein change: p.Leu2325fs; shifts the reading frame from leucine 2325.
Molecular consequence: frameshift variant.
Genome position (GRCh38, 1-based): chr1:15,933,213-15,933,214, CT deleted; deleting any 2 consecutive bases within chr1:15,933,211-15,933,214 gives the same sequence; the c. name uses the placement nearest the transcript's 3' end. VCF-style (leftmost placement, unchanged base first): chr1-15933210-ACT-A. GRCh37 (hg19) VCF-style: chr1-16259705-ACT-A.
Other names: short protein forms L2325fs.
Identifiers: ClinVar variation 4632029 (VCV004632029.1).